The following is an entry in ClinVar:

ClinVar aggregate classification (germline): Benign/Likely benign. Review status: criteria provided, multiple submitters, no conflicts (2 of 4 stars). 14 submissions from 14 submitters: Benign (10); Likely benign (2). 2 of the submissions do not count toward it. Last evaluated 2026-09-01.

Conditions:
Neurofibromatosis, type 1 (NF1). Also called: Peripheral type neurofibromatosis; Neurofibromatosis, type I; NEUROFIBROMATOSIS, TYPE I, SOMATIC; VON RECKLINGHAUSEN DISEASE. Identifiers: Orphanet 636, MedGen C0027831, MONDO:0018975, OMIM 162200. Disease mechanism: loss of function.
NF1-related disorder. Also called: NF1-related condition. Identifiers: MedGen CN379171.
Hereditary cancer-predisposing syndrome. Also called: Hereditary neoplastic syndrome; Neoplastic Syndromes, Hereditary; Hereditary Cancer Syndrome; Tumor predisposition. Identifiers: Orphanet 140162, MedGen C0027672, MeSH D009386, MONDO:0015356.

Submissions (14):

CeGaT Center for Human Genetics Tuebingen
Classification: Likely benign. Last evaluated: 2026-09-01. Review status: criteria provided, single submitter. Criteria: CeGaT Center For Human Genetics Tuebingen Variant Classification Criteria Version 2. Collection method: clinical testing. Allele origin: germline. Affected: yes. Observed: 10 variant alleles.
Comment: NF1: BP4, BS1

Myriad Genetics, Inc.
Classification: Benign for Neurofibromatosis, type 1. Last evaluated: 2026-05-22. Review status: criteria provided, single submitter. Criteria: Myriad Autosomal Dominant, Autosomal Recessive and X-Linked Classification Criteria (2023). Collection method: clinical testing. Allele origin: unknown.
Comment: This variant is considered benign. This variant is intronic and is not expected to impact mRNA splicing. This variant has been observed at a population frequency that is significantly greater than expected given the associated disease prevalence and penetrance.

PreventionGenetics, part of Exact Sciences
Classification: Benign for NF1-related condition. Last evaluated: 2026-04-19. Review status: criteria provided, single submitter. Criteria: ACMG Guidelines, 2015. Collection method: clinical testing. Allele origin: germline.
Comment: This variant is classified as benign based on ACMG/AMP sequence variant interpretation guidelines (Richards et al. 2015 PMID: 25741868, with internal and published modifications).

Labcorp Genetics (formerly Invitae), Labcorp
Classification: Benign for Neurofibromatosis, type 1. Last evaluated: 2026-02-04. Review status: criteria provided, single submitter. Criteria: Invitae Variant Classification Sherloc (09022015). Collection method: clinical testing. Allele origin: germline.

Blueprint Genetics
Classification: Benign. Last evaluated: 2024-11-25. Review status: criteria provided, single submitter. Criteria: ACMG Guidelines, 2015. Collection method: clinical testing. Allele origin: germline.

ARUP Laboratories, Molecular Genetics and Genomics, ARUP Laboratories
Classification: Benign. Last evaluated: 2024-02-27. Review status: criteria provided, single submitter. Criteria: ARUP Molecular Germline Variant Investigation Process 2024. Collection method: clinical testing. Allele origin: germline.

Genome-Nilou Lab
Classification: Benign for Neurofibromatosis, type 1. Last evaluated: 2022-03-15. Review status: criteria provided, single submitter. Criteria: ACMG Guidelines, 2015. Collection method: clinical testing. Allele origin: germline. Affected: no.

Quest Diagnostics Nichols Institute San Juan Capistrano
Classification: Benign. Last evaluated: 2022-03-10. Review status: criteria provided, single submitter. Criteria: Quest Diagnostics criteria. Collection method: clinical testing. Allele origin: unknown.

GeneDx
Classification: Likely benign. Last evaluated: 2021-06-03. Review status: criteria provided, single submitter. Criteria: GeneDx Variant Classification Process June 2021. Collection method: clinical testing. Allele origin: germline. Affected: yes.
Comment: This variant is associated with the following publications: (PMID: 24816255)

Genome Diagnostics Laboratory, The Hospital for Sick Children
Classification: Benign for Neurofibromatosis, type 1. Last evaluated: 2020-10-26. Review status: criteria provided, single submitter. Criteria: ACMG Guidelines, 2015. Collection method: clinical testing. Allele origin: germline. Affected: yes.

Sema4
Classification: Benign for Hereditary cancer-predisposing syndrome. Last evaluated: 2020-08-17. Review status: criteria provided, single submitter. Criteria: Sema4 Curation Guidelines. Collection method: curation. Allele origin: germline.

Women's Health and Genetics/Laboratory Corporation of America, LabCorp
Classification: Benign. Last evaluated: 2017-11-22. Review status: criteria provided, single submitter. Criteria: LabCorp Variant Classification Summary - May 2015. Collection method: clinical testing. Allele origin: germline.
Comment: Variant summary: The NF1 c.7908-8delT variant involves the alteration of a non-conserved nucleotide. One in silico tool predicts a benign outcome for this variant. 5/5 splice prediction tools predict no significant impact on normal splicing. However, these predictions have yet to be confirmed by functional studies. This variant was found in 112/30766 control chromosomes (2 homozygotes), predominantly observed in the African subpopulation at a frequency of 0.012552 (109/8684). This frequency is about 60 times the estimated maximal expected allele frequency of a pathogenic NF1 variant (0.0002084), suggesting this is likely a benign polymorphism found primarily in the populations of African origin. In addition, multiple clinical diagnostic laboratories classified this variant as likely benign/benign. The variant of interest has not, to our knowledge, been reported in affected individuals via publications; nor evaluated for functional impact by in vivo/vitro studies. Taken together, this variant is classified as benign.

Clinical Genetics DNA and cytogenetics Diagnostics Lab, Erasmus MC, Erasmus Medical Center
Classification: Benign. Review status: no assertion criteria provided. Collection method: clinical testing. Allele origin: germline. Affected: yes. Study: VKGL Data-share Consensus. Not counted in ClinVar's aggregate classification.

Genome Diagnostics Laboratory, Amsterdam University Medical Center
Classification: Likely benign. Review status: no assertion criteria provided. Collection method: clinical testing. Allele origin: germline. Affected: yes. Study: VKGL Data-share Consensus. Not counted in ClinVar's aggregate classification.

NM_001042492.3(NF1):c.7971-8del

Gene: NF1 (neurofibromin 1; plus strand). Cytogenetic location: 17q11.2.
Variant type: Deletion.
Coding change: c.7971-8del on transcript NM_001042492.3 (MANE Select); 8 bases into the intron before coding-DNA position 7971, one base deleted (T; older notation c.7971-8delT).
Molecular consequence: intron variant.
Genome position (GRCh38, 1-based): chr17:31,358,472, T deleted; the last of 9 consecutive T bases (chr17:31,358,464-31,358,472); deleting any one gives the same sequence. VCF-style (leftmost placement, unchanged base first): chr17-31358463-CT-C. GRCh37 (hg19) VCF-style: chr17-29685481-CT-C.
Other names: c.7971-8delT (NM_001042492.2); c.7908-8del (NM_000267.3, NM_000267.4); c.7908-16delT (NM_000267.3); c.7908-8delT (NM_000267.3).
Identifiers: ClinVar variation 422659 (VCV000422659.53), dbSNP rs564545012, ClinGen allele CA8487709.